The following is an entry in ClinVar:

ClinVar aggregate classification (germline): Uncertain significance. Review status: criteria provided, multiple submitters, no conflicts (2 of 4 stars). 2 submissions from 2 submitters: Uncertain significance (2). Last evaluated 2023-05-22.

Conditions:
Brugada syndrome. Also called: Sudden unexpected nocturnal death syndrome; Sudden unexplained nocturnal death syndrome; Sudden Unexplained Death Syndrome; Sudden Unexplained Nocturnal Death Syndrome (SUNDS). Identifiers: Orphanet 130, MedGen C1142166, MONDO:0015263.

Allele frequency attached by ClinVar (database versions not stated): gnomAD exomes 0.00001; TOPMed below 0.00001.
gnomAD v4.1: 6 of 1,611,420 alleles (0.00037%); highest among the groups gnomAD compares: Non-Finnish European, 0.00051%; no homozygotes.

Submissions (2):

Ambry Genetics
Classification: Uncertain significance. Last evaluated: 2023-05-22. Review status: criteria provided, single submitter. Criteria: Ambry Variant Classification Scheme 2023. Collection method: clinical testing. Allele origin: germline.
Comment: The p.S278G variant (also known as c.832A>G), located in coding exon 9 of the SLMAP gene, results from an A to G substitution at nucleotide position 832. The serine at codon 278 is replaced by glycine, an amino acid with similar properties. This amino acid position is conserved. In addition, the in silico prediction for this alteration is inconclusive. Since supporting evidence is limited at this time, the clinical significance of this alteration remains unclear.

Labcorp Genetics (formerly Invitae), Labcorp
Classification: Uncertain significance for Brugada syndrome. Last evaluated: 2022-05-11. Review status: criteria provided, single submitter. Criteria: Invitae Variant Classification Sherloc (09022015). Collection method: clinical testing. Allele origin: germline.
Comment: In summary, the available evidence is currently insufficient to determine the role of this variant in disease. Therefore, it has been classified as a Variant of Uncertain Significance. Algorithms developed to predict the effect of missense changes on protein structure and function are either unavailable or do not agree on the potential impact of this missense change (SIFT: "Deleterious"; PolyPhen-2: "Possibly Damaging"; Align-GVGD: "Class C0"). This variant has not been reported in the literature in individuals affected with SLMAP-related conditions. This variant is not present in population databases (gnomAD no frequency). This sequence change replaces serine, which is neutral and polar, with glycine, which is neutral and non-polar, at codon 278 of the SLMAP protein (p.Ser278Gly).

NM_001377540.1(SLMAP):c.832A>G (p.Ser278Gly)

Gene: SLMAP (sarcolemma associated protein; plus strand). Cytogenetic location: 3p14.3.
Variant type: single nucleotide variant.
Coding change: c.832A>G on transcript NM_001377540.1 (MANE Select); coding-DNA position 832, A replaced by G.
Protein change: p.Ser278Gly; replaces serine 278 with glycine.
Molecular consequence: missense variant. On other transcripts: non-coding transcript variant (1).
Genome position (GRCh38, 1-based): chr3:57,861,952, A>G. VCF-style: chr3-57861952-A-G. GRCh37 (hg19) VCF-style: chr3-57847679-A-G.
Other names: c.832A>G, p.Ser278Gly (NM_001304420.3, NM_001304421.2, NM_001377538.1 and 17 more transcripts); c.832A>G (NM_007159.2); short protein forms S278G.
Identifiers: ClinVar variation 2053624 (VCV002053624.6), dbSNP rs969770774, ClinGen allele CA75407565.
Genomic context (GRCh38, chr3:57,861,952, plus strand): 5'-TCTAAATAACAAATATACACTTATTCTAATTAAATTGCCTGTAAACTTGAATCGCAGCGA[A>G]GTCTGAGTAATACTGAAGATGAATGTACCCATCTGAAAGAAATGAATGAAAGGACTCAGG-3'
Protein context (NP_001364469.1, residues 268-288): VVRKLSEVER[Ser278Gly]LSNTEDECTH